The following is an entry in ClinVar:

ClinVar aggregate classification (germline): Uncertain significance (1 of 4 stars; one submission).

Submission:

Labcorp Genetics (formerly Invitae), Labcorp
Classification: Uncertain significance. Last evaluated: 2025-09-03. Review status: criteria provided, single submitter. Criteria: Invitae Variant Classification Sherloc (09022015). Collection method: clinical testing. Allele origin: germline.
Comment: This sequence change replaces alanine, which is neutral and non-polar, with glutamic acid, which is acidic and polar, at codon 109 of the IMPG1 protein (p.Ala109Glu). This variant is not present in population databases (gnomAD no frequency). This variant has not been reported in the literature in individuals affected with IMPG1-related conditions. ClinVar contains an entry for this variant (Variation ID: 841155). An algorithm developed to predict the effect of missense changes on protein structure and function (PolyPhen-2) suggests that this variant is likely to be disruptive. In summary, the available evidence is currently insufficient to determine the role of this variant in disease. Therefore, it has been classified as a Variant of Uncertain Significance.

NM_001563.4(IMPG1):c.326C>A (p.Ala109Glu)

Gene: IMPG1 (interphotoreceptor matrix proteoglycan 1; minus strand). Cytogenetic location: 6q14.1.
Variant type: single nucleotide variant.
Coding change: c.326C>A on transcript NM_001563.4 (MANE Select); coding-DNA position 326, C replaced by A.
Protein change: p.Ala109Glu; replaces alanine 109 with glutamic acid.
Molecular consequence: missense variant.
Genome position (GRCh38, 1-based): chr6:76,034,763, G>T on the plus strand (C>A on the coding strand, the complement: IMPG1 is on the minus strand). VCF-style: chr6-76034763-G-T. GRCh37 (hg19) VCF-style: chr6-76744480-G-T.
Other names: c.92C>A, p.Ala31Glu (NM_001282368.2); short protein forms A109E, A31E.
Identifiers: ClinVar variation 841155 (VCV000841155.9), dbSNP rs1349442966, ClinGen allele CA364780597.